The following is an entry in ClinVar:

ClinVar aggregate classification (germline): Benign. Review status: criteria provided, multiple submitters, no conflicts (2 of 4 stars). 3 submissions from 3 submitters: Benign (2). 1 of the submissions does not count toward it. Last evaluated 2026-02-03.

Conditions:
UNC80-related disorder. Also called: UNC80-related condition.

Allele frequency attached by ClinVar (database versions not stated): gnomAD exomes 0.00120 and 0.00297; ExAC 0.00366; ESP Exome Variant Server 0.00986; 1000 Genomes Project 0.01158; gnomAD 0.01205 and 0.01288; 1000 Genomes Project 30x 0.01265; TOPMed 0.01320.
gnomAD v4.1: 3,642 of 1,551,658 alleles (0.23%); highest among the groups gnomAD compares: African/African-American, 4%; 75 homozygotes.

Submissions (3):

Labcorp Genetics (formerly Invitae), Labcorp
Classification: Benign. Last evaluated: 2026-02-03. Review status: criteria provided, single submitter. Criteria: Invitae Variant Classification Sherloc (09022015). Collection method: clinical testing. Allele origin: germline.

Breakthrough Genomics
Classification: Benign. Review status: criteria provided, single submitter. Criteria: ACMG Guidelines, 2015. Collection method: not provided. Allele origin: germline. Inheritance: Autosomal recessive inheritance. Affected: yes.

PreventionGenetics, part of Exact Sciences
Classification: Benign for UNC80-related condition. Last evaluated: 2019-07-19. Review status: no assertion criteria provided. Collection method: clinical testing. Allele origin: germline. Not counted in ClinVar's aggregate classification.
Comment: This variant is classified as benign based on ACMG/AMP sequence variant interpretation guidelines (Richards et al. 2015 PMID: 25741868, with internal and published modifications).

NM_001371986.1(UNC80):c.1585G>T (p.Ala529Ser)

Gene: UNC80 (unc-80 subunit of NALCN channel complex; plus strand). Cytogenetic location: 2q34.
Variant type: single nucleotide variant.
Coding change: c.1585G>T on transcript NM_001371986.1 (MANE Select); coding-DNA position 1585, G replaced by T.
Protein change: p.Ala529Ser; replaces alanine 529 with serine.
Molecular consequence: missense variant.
Genome position (GRCh38, 1-based): chr2:209,817,844, G>T. VCF-style: chr2-209817844-G-T. GRCh37 (hg19) VCF-style: chr2-210682568-G-T.
Other names: c.1585G>T, p.Ala529Ser (NM_032504.2, NM_182587.4); short protein forms A529S.
Identifiers: ClinVar variation 789564 (VCV000789564.14), dbSNP rs143103069, ClinGen allele CA2082952.